The following is an entry in ClinVar:

NM_000824.5(GLRB):c.95G>A (p.Gly32Glu)

Gene: GLRB (glycine receptor beta; plus strand). Cytogenetic location: 4q32.1.
Variant type: single nucleotide variant.
Coding change: c.95G>A on transcript NM_000824.5 (MANE Select); coding-DNA position 95, G replaced by A.
Protein change: p.Gly32Glu; replaces glycine 32 with glutamic acid.
Molecular consequence: missense variant.
Genome position (GRCh38, 1-based): chr4:157,078,119, G>A. VCF-style: chr4-157078119-G-A. GRCh37 (hg19) VCF-style: chr4-157999271-G-A.
Other names: c.95G>A (NM_000824.4); c.95G>A, p.Gly32Glu (NM_001166060.2, NM_001166061.2); short protein forms G32E.
Identifiers: ClinVar variation 1496306 (VCV001496306.5), dbSNP rs750870150, ClinGen allele CA3119644.
Genomic context (GRCh38, chr4:157,078,119, plus strand): 5'-TAATTTCCTTGTGGGTGGAAGAAGCCTATTCTAAGGAAAAGTCTTCAAAGAAAGGGAAGG[G>A]GAAAAAGAAGCAGTATCTATGCCCATCGTATGTTCTTCATGTCTTATATTCTTATATGGA-3'
Protein context (NP_000815.1, residues 22-42): SKEKSSKKGK[Gly32Glu]KKKQYLCPSQ

ClinVar aggregate classification (germline): Uncertain significance. Review status: criteria provided, multiple submitters, no conflicts (2 of 4 stars). 3 submissions from 3 submitters: Uncertain significance (3). Last evaluated 2025-08-31.

Conditions:
Hyperekplexia 2 (HKPX2). Identifiers: Orphanet 3197, MedGen C3553291, MONDO:0013828, OMIM 614619.
Inborn genetic diseases. Identifiers: MedGen C0950123, MeSH D030342.

Allele frequency attached by ClinVar (database versions not stated): gnomAD exomes 0.00001 and 0.00002; ExAC 0.00002; gnomAD 0.00002; TOPMed 0.00003.
gnomAD v4.1: 33 of 1,611,884 alleles (0.002%); highest among the groups gnomAD compares: Admixed American, 0.005%; no homozygotes.

Submissions (3):

Ambry Genetics
Classification: Uncertain significance for Inborn genetic diseases. Last evaluated: 2025-08-31. Review status: criteria provided, single submitter. Criteria: Ambry Variant Classification Scheme 2023. Collection method: clinical testing. Allele origin: germline.

Blueprint Genetics
Classification: Uncertain significance. Last evaluated: 2024-07-11. Review status: criteria provided, single submitter. Criteria: ACMG Guidelines, 2015. Collection method: clinical testing. Allele origin: germline.

Labcorp Genetics (formerly Invitae), Labcorp
Classification: Uncertain significance for Hyperekplexia 2. Last evaluated: 2022-08-22. Review status: criteria provided, single submitter. Criteria: Invitae Variant Classification Sherloc (09022015). Collection method: clinical testing. Allele origin: germline.
Comment: This sequence change replaces glycine, which is neutral and non-polar, with glutamic acid, which is acidic and polar, at codon 32 of the GLRB protein (p.Gly32Glu). This variant is present in population databases (rs750870150, gnomAD 0.006%). This variant has not been reported in the literature in individuals affected with GLRB-related conditions. ClinVar contains an entry for this variant (Variation ID: 1496306). Advanced modeling of protein sequence and biophysical properties (such as structural, functional, and spatial information, amino acid conservation, physicochemical variation, residue mobility, and thermodynamic stability) performed at Invitae indicates that this missense variant is not expected to disrupt GLRB protein function. In summary, the available evidence is currently insufficient to determine the role of this variant in disease. Therefore, it has been classified as a Variant of Uncertain Significance.